The following is an entry in ClinVar:

ClinVar aggregate classification (germline): Uncertain significance (1 of 4 stars; one submission).

Submission:

Laboratory for Molecular Medicine, Mass General Brigham Personalized Medicine
Classification: Uncertain significance. Last evaluated: 2013-09-08. Review status: criteria provided, single submitter. Criteria: LMM Criteria. Collection method: clinical testing. Allele origin: germline. Observed: 2 variant alleles.
Comment: The Met146Lys variant in MYH9 has not been reported in individuals with hearing loss or in large population studies. The methionine (Met) residue at position 14 6 is well conserved across species and lies in the conserved myosin head domain of the MYH9 protein; though this information is insufficient to assume pathogeni city. Computational analyses (biochemical amino acid properties, AlignGVGD, Poly Phen2, and SIFT) do not provide strong support for or against an impact to the p rotein. In summary, additional data is needed to determine the clinical signific ance of this variant.

NM_002473.6(MYH9):c.437T>A (p.Met146Lys)

Gene: MYH9 (myosin heavy chain 9; minus strand). Cytogenetic location: 22q12.3.
Variant type: single nucleotide variant.
Coding change: c.437T>A on transcript NM_002473.6 (MANE Select); coding-DNA position 437, T replaced by A.
Protein change: p.Met146Lys; replaces methionine 146 with lysine.
Molecular consequence: missense variant.
Genome position (GRCh38, 1-based): chr22:36,341,423, A>T on the plus strand (T>A on the coding strand, the complement: MYH9 is on the minus strand). VCF-style: chr22-36341423-A-T. GRCh37 (hg19) VCF-style: chr22-36737468-A-T.
Other names: short protein forms M146K.
Identifiers: ClinVar variation 164467 (VCV000164467.4), dbSNP rs727503294, ClinGen allele CA177161.